The following is an entry in ClinVar:

NM_001128840.3(CACNA1D):c.2TGA[6] (p.Met7del)

Gene: CACNA1D (calcium voltage-gated channel subunit alpha1 D; plus strand). Cytogenetic location: 3p21.1.
Variant type: Microsatellite.
Coding change: c.2TGA[6] on transcript NM_001128840.3 (MANE Select); six copies in a row of the 3-base unit TGA starting at c.2; the reference has seven copies in a row; one copy, 3 bases deleted.
Protein change: p.Met7del; deletes methionine 7.
Molecular consequence: inframe deletion, initiator codon variant.
Genome position (GRCh38, 1-based): chr3:53,495,186-53,495,188, TGA deleted; deleting any 3 consecutive bases within chr3:53,495,166-53,495,188 gives the same sequence; the position shown is the placement nearest the transcript's 3' end. VCF-style (leftmost placement, unchanged base first): chr3-53495165-GGAT-G. GRCh37 (hg19) VCF-style: chr3-53529192-GGAT-G.
Other names: c.2TGA[6], p.Met7del (NM_000720.4, NM_001128839.3); short protein forms M7del.
Identifiers: ClinVar variation 1521940 (VCV001521940.9), dbSNP rs751190058, ClinGen allele CA2453583.

ClinVar aggregate classification (germline): Conflicting classifications of pathogenicity. Review status: criteria provided, conflicting classifications (1 of 4 stars). 2 submissions from 2 submitters: Uncertain significance (1); Likely benign (1). Last evaluated 2025-11-25.

Submissions (2):

Labcorp Genetics (formerly Invitae), Labcorp
Classification: Uncertain significance. Last evaluated: 2025-11-25. Review status: criteria provided, single submitter. Criteria: Invitae Variant Classification Sherloc (09022015). Collection method: clinical testing. Allele origin: germline.
Comment: This variant, c.20_22del, results in the deletion of 1 amino acid(s) of the CACNA1D protein (p.Met7del), but otherwise preserves the integrity of the reading frame. The frequency data for this variant in the population databases is considered unreliable, as metrics indicate poor data quality at this position in the gnomAD database. This variant has not been reported in the literature in individuals affected with CACNA1D-related conditions. Experimental studies and prediction algorithms are not available or were not evaluated, and the functional significance of this variant is currently unknown. In summary, the available evidence is currently insufficient to determine the role of this variant in disease. Therefore, it has been classified as a Variant of Uncertain Significance.

Blueprint Genetics
Classification: Likely benign. Last evaluated: 2024-11-26. Review status: criteria provided, single submitter. Criteria: ACMG Guidelines, 2015. Collection method: clinical testing. Allele origin: germline.